The following is an entry in ClinVar:

NM_001199799.2(ILDR1):c.1160C>G (p.Ser387Cys)

Gene: ILDR1 (immunoglobulin like domain containing receptor 1; minus strand). Cytogenetic location: 3q13.33.
Variant type: single nucleotide variant.
Coding change: c.1160C>G on transcript NM_001199799.2 (MANE Select); coding-DNA position 1160, C replaced by G.
Protein change: p.Ser387Cys; replaces serine 387 with cysteine.
Molecular consequence: missense variant.
Genome position (GRCh38, 1-based): chr3:121,993,589, G>C on the plus strand (C>G on the coding strand, the complement: ILDR1 is on the minus strand). VCF-style: chr3-121993589-G-C. GRCh37 (hg19) VCF-style: chr3-121712436-G-C.
Other names: c.893C>G, p.Ser298Cys (NM_001199800.2); c.1028C>G, p.Ser343Cys (NM_175924.4); short protein forms S387C, S298C, S343C.
Identifiers: ClinVar variation 517165 (VCV000517165.11), dbSNP rs746732835, ClinGen allele CA2568753.

ClinVar aggregate classification (germline): Conflicting classifications of pathogenicity. Review status: criteria provided, conflicting classifications (1 of 4 stars). 4 submissions from 4 submitters: Uncertain significance (3); Likely benign (1). Last evaluated 2024-03-15.

Conditions:
Inborn genetic diseases. Identifiers: MedGen C0950123, MeSH D030342.

Allele frequency attached by ClinVar (database versions not stated): gnomAD exomes 0.00003 and 0.00012; gnomAD 0.00005; TOPMed 0.00005; ExAC 0.00008.
gnomAD v4.1: 56 of 1,614,104 alleles (0.0035%); highest among the groups gnomAD compares: Admixed American, 0.027%; no homozygotes.

Submissions (4):

Ambry Genetics
Classification: Uncertain significance for Inborn genetic diseases. Last evaluated: 2024-03-15. Review status: criteria provided, single submitter. Criteria: Ambry Variant Classification Scheme 2023. Collection method: clinical testing. Allele origin: germline.

Labcorp Genetics (formerly Invitae), Labcorp
Classification: Uncertain significance. Last evaluated: 2024-02-17. Review status: criteria provided, single submitter. Criteria: Invitae Variant Classification Sherloc (09022015). Collection method: clinical testing. Allele origin: germline.
Comment: This sequence change replaces serine, which is neutral and polar, with cysteine, which is neutral and slightly polar, at codon 387 of the ILDR1 protein (p.Ser387Cys). This variant is present in population databases (rs746732835, gnomAD 0.1%). This variant has not been reported in the literature in individuals affected with ILDR1-related conditions. ClinVar contains an entry for this variant (Variation ID: 517165). Algorithms developed to predict the effect of missense changes on protein structure and function output the following: SIFT: "Not Available"; PolyPhen-2: "Possibly Damaging"; Align-GVGD: "Not Available". The cysteine amino acid residue is found in multiple mammalian species, which suggests that this missense change does not adversely affect protein function. In summary, the available evidence is currently insufficient to determine the role of this variant in disease. Therefore, it has been classified as a Variant of Uncertain Significance.

GeneDx
Classification: Uncertain significance. Last evaluated: 2022-04-26. Review status: criteria provided, single submitter. Criteria: GeneDx Variant Classification Process June 2021. Collection method: clinical testing. Allele origin: germline. Affected: yes.
Comment: In silico analysis supports that this missense variant does not alter protein structure/function; Has not been previously published as pathogenic or benign to our knowledge

Laboratory for Molecular Medicine, Mass General Brigham Personalized Medicine
Classification: Likely benign. Last evaluated: 2016-12-22. Review status: criteria provided, single submitter. Criteria: LMM Criteria. Collection method: clinical testing. Allele origin: germline. Observed: 1 variant allele.
Comment: p.Ser387Cys in exon 7 of ILDR1: This variant is not expected to have clinical si gnificance due to a lack of conservation across species with several mammals hav ing a cysteine (Cys) at this position. In addition, computational prediction too ls do not suggest a high likelihood of impact to the protein and this variant ha s been identified in 4/11574 Latino chromosomes and 6/66734 European chromosomes by the Exome Aggregation Consortium (ExAC; dbSN P rs746732835).